The following is an entry in ClinVar:

ClinVar aggregate classification (germline): Uncertain significance (1 of 4 stars; one submission).

Conditions:
Immunodeficiency 35 (IMD35). Also called: Susceptibility to infection due to TYK2 deficiency; HIES WITH ATYPICAL MYCOBACTERIOSIS, AUTOSOMAL RECESSIVE; HYPER-IgE SYNDROME WITH ATYPICAL MYCOBACTERIOSIS, AUTOSOMAL RECESSIVE; TYK2 DEFICIENCY. Identifiers: Orphanet 331226, MedGen C1969086, MONDO:0012682, OMIM 611521.

Allele frequency attached by ClinVar (database versions not stated): ExAC 0.00001; gnomAD exomes 0.00001.
gnomAD v4.1: 19 of 1,614,064 alleles (0.0012%); highest among the groups gnomAD compares: Non-Finnish European, 0.0013%; no homozygotes.

Submission:

Labcorp Genetics (formerly Invitae), Labcorp
Classification: Uncertain significance for Immunodeficiency 35. Last evaluated: 2022-05-08. Review status: criteria provided, single submitter. Criteria: Invitae Variant Classification Sherloc (09022015). Collection method: clinical testing. Allele origin: germline.
Comment: This sequence change replaces asparagine, which is neutral and polar, with aspartic acid, which is acidic and polar, at codon 88 of the TYK2 protein (p.Asn88Asp). This variant is present in population databases (rs752013617, gnomAD 0.004%). This variant has not been reported in the literature in individuals affected with TYK2-related conditions. Algorithms developed to predict the effect of missense changes on protein structure and function are either unavailable or do not agree on the potential impact of this missense change (SIFT: "Not Available"; PolyPhen-2: "Benign"; Align-GVGD: "Not Available"). In summary, the available evidence is currently insufficient to determine the role of this variant in disease. Therefore, it has been classified as a Variant of Uncertain Significance.

NM_003331.5(TYK2):c.262A>G (p.Asn88Asp)

Gene: TYK2 (tyrosine kinase 2; minus strand). Cytogenetic location: 19p13.2.
Variant type: single nucleotide variant.
Coding change: c.262A>G on transcript NM_003331.5 (MANE Select); coding-DNA position 262, A replaced by G.
Protein change: p.Asn88Asp; replaces asparagine 88 with aspartic acid.
Molecular consequence: missense variant.
Genome position (GRCh38, 1-based): chr19:10,368,350, T>C on the plus strand (A>G on the coding strand, the complement: TYK2 is on the minus strand). VCF-style: chr19-10368350-T-C. GRCh37 (hg19) VCF-style: chr19-10479026-T-C.
Other names: c.262A>G, p.Asn88Asp (NM_001385197.1, NM_001385198.1, NM_001385199.1 and 9 more transcripts); short protein forms N88D.
Identifiers: ClinVar variation 1941774 (VCV001941774.2), dbSNP rs752013617, ClinGen allele CA9193800.